The following is an entry in ClinVar:

NM_206965.2(FTCD):c.1521C>G (p.Asp507Glu)

Gene: FTCD (formimidoyltransferase cyclodeaminase; minus strand). Cytogenetic location: 21q22.3.
Variant type: single nucleotide variant.
Coding change: c.1521C>G on transcript NM_206965.2 (MANE Select); coding-DNA position 1521, C replaced by G.
Protein change: p.Asp507Glu; replaces aspartic acid 507 with glutamic acid.
Molecular consequence: missense variant.
Genome position (GRCh38, 1-based): chr21:46,137,257, G>C on the plus strand (C>G on the coding strand, the complement: FTCD is on the minus strand). VCF-style: chr21-46137257-G-C. GRCh37 (hg19) VCF-style: chr21-47557171-G-C.
Other names: c.1521C>G (NM_006657.2); c.1521C>G, p.Asp507Glu (NM_001320412.2, NM_006657.3); short protein forms D507E.
Identifiers: ClinVar variation 1358286 (VCV001358286.7), dbSNP rs141582814, ClinGen allele CA10073373.

ClinVar aggregate classification (germline): Uncertain significance. Review status: criteria provided, multiple submitters, no conflicts (2 of 4 stars). 2 submissions from 2 submitters: Uncertain significance (2). Last evaluated 2025-04-15.

Conditions:
Inborn genetic diseases. Identifiers: MedGen C0950123, MeSH D030342.
Glutamate formiminotransferase deficiency. Also called: Arakawa syndrome 1; Formiminoglutamic aciduria. Identifiers: Orphanet 51208, MedGen C0268609, MONDO:0009240, OMIM 229100.

Submissions (2):

Ambry Genetics
Classification: Uncertain significance for Inborn genetic diseases. Last evaluated: 2025-04-15. Review status: criteria provided, single submitter. Criteria: Ambry Variant Classification Scheme 2023. Collection method: clinical testing. Allele origin: germline.

Labcorp Genetics (formerly Invitae), Labcorp
Classification: Uncertain significance for Glutamate formiminotransferase deficiency. Last evaluated: 2022-10-13. Review status: criteria provided, single submitter. Criteria: Invitae Variant Classification Sherloc (09022015). Collection method: clinical testing. Allele origin: germline.
Comment: In summary, the available evidence is currently insufficient to determine the role of this variant in disease. Therefore, it has been classified as a Variant of Uncertain Significance. Advanced modeling of protein sequence and biophysical properties (such as structural, functional, and spatial information, amino acid conservation, physicochemical variation, residue mobility, and thermodynamic stability) performed at Invitae indicates that this missense variant is not expected to disrupt FTCD protein function. ClinVar contains an entry for this variant (Variation ID: 1358286). This variant has not been reported in the literature in individuals affected with FTCD-related conditions. This variant is present in population databases (rs141582814, gnomAD 0.01%). This sequence change replaces aspartic acid, which is acidic and polar, with glutamic acid, which is acidic and polar, at codon 507 of the FTCD protein (p.Asp507Glu).